The following is an entry in ClinVar:

ClinVar aggregate classification (germline): Benign (1 of 4 stars; one submission).

Conditions:
MELAS syndrome (MELAS). Also called: Juvenile myopathy, encephalopathy, lactic acidosis, stroke. Identifiers: Orphanet 550, MedGen C0162671, MONDO:0010789, OMIM 540000.

Submission:

Wong Mito Lab, Molecular and Human Genetics, Baylor College of Medicine
Classification: Benign for MELAS syndrome. Last evaluated: 2019-07-12. Review status: criteria provided, single submitter. Criteria: Modified ACMG Guidelines (Unpublished). Collection method: clinical testing. Allele origin: germline.
Comment: The NC_012920.1:m.15949G>A variant in MT-TT gene is interpreted to be a Benign variant based on the modified ACMG guidelines (unpublished). This variant meets the following evidence codes reported in the guidelines: BS1, BS2, BP4

Literature cited by the submitters: PubMed 31965079.

NC_012920.1(MT-TT):m.15949G>A

Gene: MT-TT (mitochondrially encoded tRNA threonine; plus strand).
Variant type: single nucleotide variant.
Genome position: chrM-15949-G-A.
Identifiers: ClinVar variation 690258 (VCV000690258.1), dbSNP rs1603225611, ClinGen allele CA913175275.